The following is an entry in ClinVar:

NM_031924.8(RSPH3):c.330del (p.His110fs)

Gene: RSPH3 (radial spoke head 3; minus strand). Cytogenetic location: 6q25.3.
Variant type: Deletion.
Coding change: c.330del on transcript NM_031924.8 (MANE Select); coding-DNA position 330, one base deleted (T; older notation c.330delT).
Protein change: p.His110fs; shifts the reading frame from histidine 110.
Molecular consequence: frameshift variant. On other transcripts: non-coding transcript variant (1), intron variant (1).
Genome position (GRCh38, 1-based): chr6:158,986,296, A deleted on the plus strand (T on the coding strand, the reverse complement: RSPH3 is on the minus strand). VCF-style (leftmost placement, unchanged base first): chr6-158986295-CA-C. GRCh37 (hg19) VCF-style: chr6-159407327-CA-C.
Other names: c.631-3608del (NM_001346418.1); short protein forms H110fs.
Identifiers: ClinVar variation 3651133 (VCV003651133.2).
Genomic context (GRCh38, chr6:158,986,295, plus strand): 5'-CTGAGTAAACCAAGAGGACACAATGCCAAGGGCACAGTCACACACCTGTTTGCACATCGA[CA>C]TGCTTTCTGCCTTCCACAGGTTCAGGTGTTTGTGGTCTGAGCTGCTCTTGGGCTTGTTTT-3'

ClinVar aggregate classification (germline): Pathogenic (1 of 4 stars; one submission).

Conditions:
Primary ciliary dyskinesia 32. Also called: CILIARY DYSKINESIA, PRIMARY, 32, WITHOUT SITUS INVERSUS. Identifiers: Orphanet 244, MedGen C4225311, MONDO:0014657, OMIM 616481.

Submission:

Labcorp Genetics (formerly Invitae), Labcorp
Classification: Pathogenic for Primary ciliary dyskinesia 32. Last evaluated: 2024-04-25. Review status: criteria provided, single submitter. Criteria: Invitae Variant Classification Sherloc (09022015). Collection method: clinical testing. Allele origin: germline.
Comment: This sequence change creates a premature translational stop signal (p.His252Glnfs*17) in the RSPH3 gene. It is expected to result in an absent or disrupted protein product. Loss-of-function variants in RSPH3 are known to be pathogenic (PMID: 26073779). This variant is not present in population databases (gnomAD no frequency). This variant has not been reported in the literature in individuals affected with RSPH3-related conditions. For these reasons, this variant has been classified as Pathogenic.

Literature cited by the submitters: PubMed 26073779.